The following is an entry in ClinVar:

NM_015425.6(POLR1A):c.4388A>T (p.Asp1463Val)

Gene: POLR1A (RNA polymerase I subunit A; minus strand). Cytogenetic location: 2p11.2.
Variant type: single nucleotide variant.
Coding change: c.4388A>T on transcript NM_015425.6 (MANE Select); coding-DNA position 4388, A replaced by T.
Protein change: p.Asp1463Val; replaces aspartic acid 1463 with valine.
Molecular consequence: missense variant.
Genome position (GRCh38, 1-based): chr2:86,031,520, T>A on the plus strand (A>T on the coding strand, the complement: POLR1A is on the minus strand). VCF-style: chr2-86031520-T-A. GRCh37 (hg19) VCF-style: chr2-86258643-T-A.
Other names: short protein forms D1463V.
Identifiers: ClinVar variation 2004600 (VCV002004600.4), dbSNP rs1319008635, ClinGen allele CA347546769.
Genomic context (GRCh38, chr2:86,031,520, plus strand): 5'-GGCTGCGTCAGGAGGGCGGGAAGGGACGGGTCCTCCTCAGTGCCTAAGCCCACCTCTTCA[T>A]CTTGCTCTTGGGTCTTTCGAGCACCTTCCCTGTGGGGATTTCGTTCCTCCTGCATGTCTT-3'
Protein context (NP_056240.2, residues 1453-1473): REGARKTQEQ[Asp1463Val]EEVGLGTEED

ClinVar aggregate classification (germline): Uncertain significance (1 of 4 stars; one submission).

Allele frequency attached by ClinVar (database versions not stated): gnomAD exomes below 0.00001.
gnomAD v4.1: 1 of 1,614,194 alleles (0.000062%); highest among the groups gnomAD compares: Admixed American, 0.0017%; no homozygotes.

Submission:

Labcorp Genetics (formerly Invitae), Labcorp
Classification: Uncertain significance. Last evaluated: 2025-01-27. Review status: criteria provided, single submitter. Criteria: Invitae Variant Classification Sherloc (09022015). Collection method: clinical testing. Allele origin: germline.
Comment: This sequence change replaces aspartic acid, which is acidic and polar, with valine, which is neutral and non-polar, at codon 1463 of the POLR1A protein (p.Asp1463Val). This variant is present in population databases (no rsID available, gnomAD 0.003%). This variant has not been reported in the literature in individuals affected with POLR1A-related conditions. ClinVar contains an entry for this variant (Variation ID: 2004600). An algorithm developed to predict the effect of missense changes on protein structure and function (PolyPhen-2) suggests that this variant is likely to be tolerated. In summary, the available evidence is currently insufficient to determine the role of this variant in disease. Therefore, it has been classified as a Variant of Uncertain Significance.